The following is an entry in ClinVar:

ClinVar aggregate classification (germline): Uncertain significance. Review status: criteria provided, multiple submitters, no conflicts (2 of 4 stars). 3 submissions from 3 submitters: Uncertain significance (2). 1 of the submissions does not count toward it. Last evaluated 2025-09-10.

Conditions:
Spastic paraplegia. Identifiers: MedGen C0037772, HP:0001258.
Hereditary spastic paraplegia 13 (SPG13). Also called: Spastic paraplegia 13; SPASTIC PARAPLEGIA 13, AUTOSOMAL DOMINANT. Identifiers: Orphanet 100994, MedGen C1854467, MONDO:0011532, OMIM 605280.

Allele frequency attached by ClinVar (database versions not stated): gnomAD 0.00002 and 0.00003; TOPMed 0.00003; gnomAD exomes 0.00004 and 0.00005; ExAC 0.00006.
gnomAD v4.1: 61 of 1,614,192 alleles (0.0038%); highest among the groups gnomAD compares: South Asian, 0.02%; 1 homozygote.

Submissions (3):

Labcorp Genetics (formerly Invitae), Labcorp
Classification: Uncertain significance for Spastic paraplegia. Last evaluated: 2025-09-10. Review status: criteria provided, single submitter. Criteria: Invitae Variant Classification Sherloc (09022015). Collection method: clinical testing. Allele origin: germline.
Comment: This sequence change replaces asparagine, which is neutral and polar, with serine, which is neutral and polar, at codon 103 of the HSPD1 protein (p.Asn103Ser). This variant is present in population databases (rs766297735, gnomAD 0.02%). This variant has not been reported in the literature in individuals affected with HSPD1-related conditions. ClinVar contains an entry for this variant (Variation ID: 940015). Invitae Evidence Modeling of protein sequence and biophysical properties (such as structural, functional, and spatial information, amino acid conservation, physicochemical variation, residue mobility, and thermodynamic stability) indicates that this missense variant is not expected to disrupt HSPD1 protein function with a negative predictive value of 80%. In summary, the available evidence is currently insufficient to determine the role of this variant in disease. Therefore, it has been classified as a Variant of Uncertain Significance.

Blueprint Genetics
Classification: Uncertain significance. Last evaluated: 2023-11-14. Review status: criteria provided, single submitter. Criteria: ACMG Guidelines, 2015. Collection method: clinical testing. Allele origin: germline.

Hong-Tao Li Lab, Institute of Brain Science and Brain-inspired Research, Shandong First Medical University & Shandong Academy of Medical Sciences China
Classification: Uncertain significance for Hereditary spastic paraplegia 13. Review status: no assertion criteria provided. Collection method: research. Allele origin: germline. Inheritance: Autosomal dominant inheritance. Affected: yes. Observed: 1 variant allele, 1 heterozygote. Not counted in ClinVar's aggregate classification.
Comment: Observed in affected individuals from a Pakistani neurodevelopmental-disorder research cohort of 263 individuals. Classification assigned using the ACMG/AMP framework. Population-frequency evidence: gnomAD AF 4.596e-05.

NM_002156.5(HSPD1):c.308A>G (p.Asn103Ser)

Gene: HSPD1 (heat shock protein family D (Hsp60) member 1; minus strand). Cytogenetic location: 2q33.1.
Variant type: single nucleotide variant.
Coding change: c.308A>G on transcript NM_002156.5 (MANE Select); coding-DNA position 308, A replaced by G.
Protein change: p.Asn103Ser; replaces asparagine 103 with serine.
Molecular consequence: missense variant.
Genome position (GRCh38, 1-based): chr2:197,497,259, T>C on the plus strand (A>G on the coding strand, the complement: HSPD1 is on the minus strand). VCF-style: chr2-197497259-T-C. GRCh37 (hg19) VCF-style: chr2-198361983-T-C.
Other names: c.308A>G, p.Asn103Ser (NM_199440.2); short protein forms N103S.
Identifiers: ClinVar variation 940015 (VCV000940015.9), dbSNP rs766297735, ClinGen allele CA2043644.